The following is an entry in ClinVar:

NM_001267727.2(ARSG):c.724C>G (p.Leu242Val)

Gene: ARSG (arylsulfatase G; plus strand). Cytogenetic location: 17q24.2.
Variant type: single nucleotide variant.
Coding change: c.724C>G on transcript NM_001267727.2 (MANE Select); coding-DNA position 724, C replaced by G.
Protein change: p.Leu242Val; replaces leucine 242 with valine.
Molecular consequence: missense variant.
Genome position (GRCh38, 1-based): chr17:68,368,567, C>G. VCF-style: chr17-68368567-C-G. GRCh37 (hg19) VCF-style: chr17-66364708-C-G.
Other names: c.724C>G, p.Leu242Val (NM_001352899.2, NM_001352900.2, NM_001352901.2 and 3 more transcripts); c.721C>G, p.Leu241Val (NM_001352903.2, NM_001352904.2, NM_001352905.2 and 2 more transcripts); c.676C>G, p.Leu226Val (NM_001352909.2); short protein forms L241V, L242V, L226V.
Identifiers: ClinVar variation 1406803 (VCV001406803.8), dbSNP rs764656528, ClinGen allele CA8728346.

ClinVar aggregate classification (germline): Uncertain significance (1 of 4 stars; one submission).

Allele frequency attached by ClinVar (database versions not stated): gnomAD exomes below 0.00001 and 0.00001; TOPMed below 0.00001; ExAC 0.00001; gnomAD 0.00001.
gnomAD v4.1: 3 of 1,613,874 alleles (0.00019%); highest among the groups gnomAD compares: African/African-American, 0.004%; no homozygotes.

Submission:

Labcorp Genetics (formerly Invitae), Labcorp
Classification: Uncertain significance. Last evaluated: 2024-10-26. Review status: criteria provided, single submitter. Criteria: Invitae Variant Classification Sherloc (09022015). Collection method: clinical testing. Allele origin: germline.
Comment: This sequence change replaces leucine, which is neutral and non-polar, with valine, which is neutral and non-polar, at codon 242 of the ARSG protein (p.Leu242Val). This variant is present in population databases (rs764656528, gnomAD 0.01%). This variant has not been reported in the literature in individuals affected with ARSG-related conditions. ClinVar contains an entry for this variant (Variation ID: 1406803). Invitae Evidence Modeling of protein sequence and biophysical properties (such as structural, functional, and spatial information, amino acid conservation, physicochemical variation, residue mobility, and thermodynamic stability) has been performed for this missense variant. However, the output from this modeling did not meet the statistical confidence thresholds required to predict the impact of this variant on ARSG protein function. In summary, the available evidence is currently insufficient to determine the role of this variant in disease. Therefore, it has been classified as a Variant of Uncertain Significance.